The following is an entry in ClinVar:

NM_006030.4(CACNA2D2):c.227G>A (p.Arg76His)

Gene: CACNA2D2 (calcium voltage-gated channel auxiliary subunit alpha2delta 2; minus strand). Cytogenetic location: 3p21.31.
Variant type: single nucleotide variant.
Coding change: c.227G>A on transcript NM_006030.4 (MANE Select); coding-DNA position 227, G replaced by A.
Protein change: p.Arg76His; replaces arginine 76 with histidine.
Molecular consequence: missense variant.
Genome position (GRCh38, 1-based): chr3:50,476,179, C>T on the plus strand (G>A on the coding strand, the complement: CACNA2D2 is on the minus strand). VCF-style: chr3-50476179-C-T. GRCh37 (hg19) VCF-style: chr3-50513610-C-T.
Other names: c.227G>A, p.Arg76His (NM_001005505.3, NM_001174051.3); c.20G>A, p.Arg7His (NM_001291101.1); short protein forms R7H, R76H.
Identifiers: ClinVar variation 858926 (VCV000858926.5), dbSNP rs369847313, ClinGen allele CA2419291.

ClinVar aggregate classification (germline): Uncertain significance (1 of 4 stars; one submission).

Conditions:
Developmental and epileptic encephalopathy. Identifiers: MedGen C5779964, MONDO:0100620.

Allele frequency attached by ClinVar (database versions not stated): gnomAD exomes 0.00004 and 0.00006; ESP Exome Variant Server 0.00008; ExAC 0.00010.
gnomAD v4.1: 51 of 1,596,950 alleles (0.0032%); highest among the groups gnomAD compares: South Asian, 0.044%; no homozygotes.

Submission:

Labcorp Genetics (formerly Invitae), Labcorp
Classification: Uncertain significance for Early-infantile DEE. Last evaluated: 2022-03-16. Review status: criteria provided, single submitter. Criteria: Invitae Variant Classification Sherloc (09022015). Collection method: clinical testing. Allele origin: germline.
Comment: This sequence change replaces arginine, which is basic and polar, with histidine, which is basic and polar, at codon 76 of the CACNA2D2 protein (p.Arg76His). This variant is present in population databases (rs369847313, gnomAD 0.04%). This variant has not been reported in the literature in individuals affected with CACNA2D2-related conditions. ClinVar contains an entry for this variant (Variation ID: 858926). Algorithms developed to predict the effect of missense changes on protein structure and function are either unavailable or do not agree on the potential impact of this missense change (SIFT: "Deleterious"; PolyPhen-2: "Probably Damaging"; Align-GVGD: "Class C0"). In summary, the available evidence is currently insufficient to determine the role of this variant in disease. Therefore, it has been classified as a Variant of Uncertain Significance.